The following is an entry in ClinVar:

ClinVar aggregate classification (germline): Uncertain significance (1 of 4 stars; one submission).

Conditions:
Xeroderma pigmentosum, group F (XPF). Also called: XERODERMA PIGMENTOSUM, COMPLEMENTATION GROUP F; XERODERMA PIGMENTOSUM VI; XP, GROUP F; ERCC4-Related Xeroderma Pigmentosum; XERODERMA PIGMENTOSUM, TYPE F; Xeroderma pigmentosum, type 6. Identifiers: MedGen C0268140, MONDO:0010215, OMIM 278760.
Fanconi anemia complementation group Q. Identifiers: Orphanet 84, MedGen C3808988, MONDO:0014108, OMIM 615272.
Cockayne syndrome. Identifiers: Orphanet 191, MedGen C0009207, MONDO:0016006.

Submission:

Labcorp Genetics (formerly Invitae), Labcorp
Classification: Uncertain significance for Fanconi anemia complementation group Q; Xeroderma pigmentosum, group F; Cockayne syndrome. Last evaluated: 2023-06-04. Review status: criteria provided, single submitter. Criteria: Invitae Variant Classification Sherloc (09022015). Collection method: clinical testing. Allele origin: germline.
Comment: In summary, the available evidence is currently insufficient to determine the role of this variant in disease. Therefore, it has been classified as a Variant of Uncertain Significance. Advanced modeling of protein sequence and biophysical properties (such as structural, functional, and spatial information, amino acid conservation, physicochemical variation, residue mobility, and thermodynamic stability) performed at Invitae indicates that this missense variant is expected to disrupt ERCC4 protein function. This variant has not been reported in the literature in individuals affected with ERCC4-related conditions. This variant is not present in population databases (gnomAD no frequency). This sequence change replaces leucine, which is neutral and non-polar, with arginine, which is basic and polar, at codon 790 of the ERCC4 protein (p.Leu790Arg).

NM_005236.3(ERCC4):c.2369T>G (p.Leu790Arg)

Gene: ERCC4 (ERCC excision repair 4, endonuclease catalytic subunit; plus strand). Cytogenetic location: 16p13.12.
Variant type: single nucleotide variant.
Coding change: c.2369T>G on transcript NM_005236.3 (MANE Select); coding-DNA position 2369, T replaced by G.
Protein change: p.Leu790Arg; replaces leucine 790 with arginine.
Molecular consequence: missense variant.
Genome position (GRCh38, 1-based): chr16:13,947,965, T>G. VCF-style: chr16-13947965-T-G. GRCh37 (hg19) VCF-style: chr16-14041822-T-G.
Other names: short protein forms L790R.
Identifiers: ClinVar variation 2948514 (VCV002948514.3), dbSNP rs753851289, ClinGen allele CA394823231.